The following is an entry in ClinVar:

ClinVar aggregate classification (germline): Uncertain significance (1 of 4 stars; one submission).

gnomAD v4.1: 2 of 1,614,118 alleles (0.00012%); highest among the groups gnomAD compares: Admixed American, 0.0033%; no homozygotes.

Submission:

Labcorp Genetics (formerly Invitae), Labcorp
Classification: Uncertain significance. Last evaluated: 2024-02-24. Review status: criteria provided, single submitter. Criteria: Invitae Variant Classification Sherloc (09022015). Collection method: clinical testing. Allele origin: germline.
Comment: This sequence change replaces methionine, which is neutral and non-polar, with valine, which is neutral and non-polar, at codon 813 of the VPS13D protein (p.Met813Val). This variant is present in population databases (no rsID available, gnomAD 0.006%). This variant has not been reported in the literature in individuals affected with VPS13D-related conditions. ClinVar contains an entry for this variant (Variation ID: 1961422). Advanced modeling of protein sequence and biophysical properties (such as structural, functional, and spatial information, amino acid conservation, physicochemical variation, residue mobility, and thermodynamic stability) has been performed at Invitae for this missense variant, however the output from this modeling did not meet the statistical confidence thresholds required to predict the impact of this variant on VPS13D protein function. In summary, the available evidence is currently insufficient to determine the role of this variant in disease. Therefore, it has been classified as a Variant of Uncertain Significance.

NM_015378.4(VPS13D):c.2437A>G (p.Met813Val)

Gene: VPS13D (vacuolar protein sorting 13 homolog D; plus strand). Cytogenetic location: 1p36.22.
Variant type: single nucleotide variant.
Coding change: c.2437A>G on transcript NM_015378.4 (MANE Select); coding-DNA position 2437, A replaced by G.
Protein change: p.Met813Val; replaces methionine 813 with valine.
Molecular consequence: missense variant.
Genome position (GRCh38, 1-based): chr1:12,276,025, A>G. VCF-style: chr1-12276025-A-G. GRCh37 (hg19) VCF-style: chr1-12336082-A-G.
Other names: c.2437A>G, p.Met813Val (NM_018156.4); short protein forms M813V.
Identifiers: ClinVar variation 1961422 (VCV001961422.5), dbSNP rs1255414735, ClinGen allele CA338471461.
Genomic context (GRCh38, chr1:12,276,025, plus strand): 5'-CCCTTTTCTGGAGTTGAGTTCAGTGAAGAACAGCTTCAAGCACATTTAATGAGCACAAAG[A>G]TGTATGAGAGGTACTCGCTGTCATTTATGGACCTCCAGATCATGGTTGGACGAGTGAAAG-3'
Protein context (NP_056193.2, residues 803-823): QLQAHLMSTK[Met813Val]YERYSLSFMD